The following is an entry in ClinVar:

ClinVar aggregate classification (germline): Uncertain significance. Review status: criteria provided, multiple submitters, no conflicts (2 of 4 stars). 2 submissions from 2 submitters: Uncertain significance (2). Last evaluated 2025-10-16.

Conditions:
Cardiovascular phenotype. Identifiers: MedGen CN230736.
Hereditary cancer-predisposing syndrome. Also called: Neoplastic Syndromes, Hereditary; Tumor predisposition; Hereditary Cancer Syndrome; Hereditary neoplastic syndrome. Identifiers: Orphanet 140162, MedGen C0027672, MeSH D009386, MONDO:0015356.

Allele frequency attached by ClinVar (database versions not stated): TOPMed below 0.00001; gnomAD 0.00001.
gnomAD v4.1: 10 of 1,582,496 alleles (0.00063%); highest among the groups gnomAD compares: Non-Finnish European, 0.00086%; no homozygotes.

Submissions (2):

Labcorp Genetics (formerly Invitae), Labcorp
Classification: Uncertain significance. Last evaluated: 2025-10-16. Review status: criteria provided, single submitter. Criteria: Invitae Variant Classification Sherloc (09022015). Collection method: clinical testing. Allele origin: germline.
Comment: This sequence change replaces arginine, which is basic and polar, with glutamine, which is neutral and polar, at codon 21 of the LZTR1 protein (p.Arg21Gln). This variant is not present in population databases (gnomAD no frequency). This variant has not been reported in the literature in individuals affected with LZTR1-related conditions. ClinVar contains an entry for this variant (Variation ID: 1752718). Invitae Evidence Modeling of protein sequence and biophysical properties (such as structural, functional, and spatial information, amino acid conservation, physicochemical variation, residue mobility, and thermodynamic stability) indicates that this missense variant is not expected to disrupt LZTR1 protein function with a negative predictive value of 80%. In summary, the available evidence is currently insufficient to determine the role of this variant in disease. Therefore, it has been classified as a Variant of Uncertain Significance.

Ambry Genetics
Classification: Uncertain significance for Cardiovascular phenotype; Hereditary cancer-predisposing syndrome. Last evaluated: 2025-03-08. Review status: criteria provided, single submitter. Criteria: Ambry Variant Classification Scheme 2023. Collection method: clinical testing. Allele origin: germline.
Comment: The p.R21Q variant (also known as c.62G>A), located in coding exon 1 of the LZTR1 gene, results from a G to A substitution at nucleotide position 62. The arginine at codon 21 is replaced by glutamine, an amino acid with highly similar properties. This amino acid position is conserved. In addition, this alteration is predicted to be tolerated by in silico analysis. Since supporting evidence is limited at this time, the clinical significance of this alteration remains unclear.

NM_006767.4(LZTR1):c.62G>A (p.Arg21Gln)

Genes: LZTR1 (leucine zipper like post translational regulator 1; plus strand), LOC130067016 (ATAC-STARR-seq lymphoblastoid silent region 13504; plus strand). Cytogenetic location: 22q11.21.
Variant type: single nucleotide variant.
Coding change: c.62G>A on transcript NM_006767.4 (MANE Select); coding-DNA position 62, G replaced by A.
Protein change: p.Arg21Gln; replaces arginine 21 with glutamine.
Molecular consequence: missense variant.
Genome position (GRCh38, 1-based): chr22:20,982,433, G>A. VCF-style: chr22-20982433-G-A. GRCh37 (hg19) VCF-style: chr22-21336722-G-A.
Other names: short protein forms R21Q.
Identifiers: ClinVar variation 1752718 (VCV001752718.5), dbSNP rs1469540056, ClinGen allele CA410777572.
Genomic context (GRCh38, chr22:20,982,433, plus strand): 5'-TGGCTGGACCGGGCAGCACGGGGGGGCAGATCGGGGCTGCGGCCCTGGCAGGCGGCGCGC[G>A]GTCCAAGGTAGCCCCGAGCGTGGACTTCGACCATAGCTGCTCGGACAGTGTCGAGTACCT-3'
Protein context (NP_006758.2, residues 11-31): IGAAALAGGA[Arg21Gln]SKVAPSVDFD